The following is an entry in ClinVar:

ClinVar aggregate classification (germline): Pathogenic (1 of 4 stars; one submission).

Conditions:
Hereditary insensitivity to pain with anhidrosis (CIPA). Also called: NTRK1 Congenital Insensitivity to Pain with Anhidrosis; HSAN Type IV; FAMILIAL DYSAUTONOMIA, TYPE II; INSENSITIVITY TO PAIN, CONGENITAL, WITH ANHIDROSIS; NEUROPATHY, CONGENITAL SENSORY, WITH ANHIDROSIS; hereditary sensory and autonomic neuropathy type 4. Identifiers: Orphanet 642, MedGen C0020074, MONDO:0009746, OMIM 256800.

Submission:

Labcorp Genetics (formerly Invitae), Labcorp
Classification: Pathogenic for Hereditary insensitivity to pain with anhidrosis. Last evaluated: 2021-09-25. Review status: criteria provided, single submitter. Criteria: Invitae Variant Classification Sherloc (09022015). Collection method: clinical testing. Allele origin: germline.
Comment: For these reasons, this variant has been classified as Pathogenic. This variant has not been reported in the literature in individuals affected with NTRK1-related conditions. This variant is not present in population databases (ExAC no frequency). This sequence change creates a premature translational stop signal (p.Glu172Asnfs*25) in the NTRK1 gene. It is expected to result in an absent or disrupted protein product. Loss-of-function variants in NTRK1 are known to be pathogenic (PMID: 10982191).

Literature cited by the submitters: PubMed 10982191.

NM_002529.4(NTRK1):c.513del (p.Glu172fs)

Gene: NTRK1 (neurotrophic receptor tyrosine kinase 1; plus strand). Cytogenetic location: 1q23.1.
Variant type: Deletion.
Coding change: c.513del on transcript NM_002529.4 (MANE Select); coding-DNA position 513, one base deleted (T; older notation c.513delT).
Protein change: p.Glu172fs; shifts the reading frame from glutamic acid 172.
Molecular consequence: frameshift variant.
Genome position (GRCh38, 1-based): chr1:156,868,188, T deleted. VCF-style (leftmost placement, unchanged base first): chr1-156868187-CT-C. GRCh37 (hg19) VCF-style: chr1-156837979-CT-C.
Other names: c.423del, p.Glu142fs (NM_001007792.1); c.513del, p.Glu172fs (NM_001012331.2); short protein forms E142fs, E172fs.
Identifiers: ClinVar variation 1391432 (VCV001391432.6), dbSNP rs2102893113, ClinGen allele CA2573131108.
Genomic context (GRCh38, chr1:156,868,187, plus strand): 5'-ACTGTTCTTGTGCCCTGCGCTGGCTACAGCGCTGGGAGGAGGAGGGACTGGGCGGAGTGC[CT>C]GAACAGAAGCTGCAGTGTCATGGGCAAGGGCCCCTGGCCCACATGCCCAATGCCAGCTGT-3'